The following is an entry in ClinVar:

ClinVar aggregate classification (germline): Uncertain significance (1 of 4 stars; one submission).

Conditions:
Peroxisome biogenesis disorder 2B (PBD2B). Identifiers: Orphanet 44, MedGen C3550234, MONDO:0008736, OMIM 202370.

Submission:

Labcorp Genetics (formerly Invitae), Labcorp
Classification: Uncertain significance for Peroxisome biogenesis disorder 2B. Last evaluated: 2022-04-28. Review status: criteria provided, single submitter. Criteria: Invitae Variant Classification Sherloc (09022015). Collection method: clinical testing. Allele origin: germline.
Comment: In summary, the available evidence is currently insufficient to determine the role of this variant in disease. Therefore, it has been classified as a Variant of Uncertain Significance. This variant has not been reported in the literature in individuals affected with PEX5-related conditions. This variant is not present in population databases (gnomAD no frequency). This variant, c.1877_1915dup, results in the insertion of 13 amino acid(s) of the PEX5 protein (p.Arg626_Pro638dup), but otherwise preserves the integrity of the reading frame.

NM_001351132.2(PEX5):c.1877_1915dup (p.Pro638_Gln639insArgAspLeuSerThrLeuLeuThrMetPheGlyLeuPro)

Gene: PEX5 (peroxisomal biogenesis factor 5; plus strand). Cytogenetic location: 12p13.31.
Variant type: Duplication.
Coding change: c.1877_1915dup on transcript NM_001351132.2 (MANE Select); coding-DNA positions 1877 to 1915, 39 bases duplicated.
Protein change: p.Pro638_Gln639insArgAspLeuSerThrLeuLeuThrMetPheGlyLeuPro.
Molecular consequence: inframe insertion.
Genome position (GRCh38, 1-based): chr12:7,210,180-7,210,218, 39 bases duplicated; duplicating any 39 consecutive bases within chr12:7,210,179-7,210,218 gives the same sequence; the c. name uses the placement nearest the transcript's 3' end. GRCh37 (hg19): chr12:7,362,776-7,362,814.
Other names: c.1853_1891dup, p.Pro630_Gln631insArgAspLeuSerThrLeuLeuThrMetPheGlyLeuPro (NM_000319.5); c.1922_1960dup, p.Pro653_Gln654insArgAspLeuSerThrLeuLeuThrMetPheGlyLeuPro (NM_001131023.2); c.1766_1804dup, p.Pro601_Gln602insArgAspLeuSerThrLeuLeuThrMetPheGlyLeuPro (NM_001131024.2, NM_001351124.3, NM_001351126.2 and 7 more transcripts); c.1877_1915dup, p.Pro638_Gln639insArgAspLeuSerThrLeuLeuThrMetPheGlyLeuPro (NM_001131025.2, NM_001131026.2, NM_001300789.3 and 4 more transcripts); c.1811_1849dup, p.Pro616_Gln617insArgAspLeuSerThrLeuLeuThrMetPheGlyLeuPro (NM_001351135.3, NM_001351138.2); c.1868_1906dup, p.Pro635_Gln636insArgAspLeuSerThrLeuLeuThrMetPheGlyLeuPro (NM_001351136.2); c.1742_1780dup, p.Pro593_Gln594insArgAspLeuSerThrLeuLeuThrMetPheGlyLeuPro (NM_001351139.2, NM_001351140.2, NM_001374649.2).
Identifiers: ClinVar variation 2130845 (VCV002130845.4), dbSNP rs2540342427, ClinGen allele CA2580086305.
Genomic context (GRCh38, chr12:7,210,178, plus strand): 5'-CACCCTGCGTTTGGCATTGTCTATGTTAGGCCAGAGCGATGCCTATGGGGCAGCCGACGC[G>GCGGGATCTGTCCACCCTCCTAACTATGTTTGGCCTGCCC]CGGGATCTGTCCACCCTCCTAACTATGTTTGGCCTGCCCCAGTGACAGTGGGACGGGCTG-3'